The following is an entry in ClinVar:

NM_003060.4(SLC22A5):c.*47C>T

Gene: SLC22A5 (solute carrier family 22 member 5; plus strand). Cytogenetic location: 5q31.1.
Variant type: single nucleotide variant.
Coding change: c.*47C>T on transcript NM_003060.4 (MANE Select); 47 bases downstream of the stop codon, C replaced by T.
Molecular consequence: 3 prime UTR variant.
Genome position (GRCh38, 1-based): chr5:132,394,319, C>T. VCF-style: chr5-132394319-C-T. GRCh37 (hg19) VCF-style: chr5-131730011-C-T.
Other names: c.*47C>T (NM_001308122.2).
Identifiers: ClinVar variation 25433 (VCV000025433.19), dbSNP rs1045020, ClinGen allele CA342693.
Genomic context (GRCh38, chr5:132,394,319, plus strand): 5'-GCACAGCCTTCTAACATCGCTTCCAGTAAGGGAGAAACTGAAGAGGAAAGACTGTCTTGC[C>T]AGAAATGGCCAGCTTGTGCAGACTCCGAGTCCTTCAGTGACAAAAGGCCTTTGCTGTTTG-3'

ClinVar aggregate classification (germline): Benign. Review status: criteria provided, multiple submitters, no conflicts (2 of 4 stars). 5 submissions from 5 submitters: Benign (5). Last evaluated 2021-07-15.

Conditions:
Renal carnitine transport defect (CDSP). Also called: Systemic primary carnitine deficiency; Carnitine transporter deficiency; Primary carnitine deficiency; Carnitine Deficiency, Systemic; Systemic primary carnitine deficiency disease; CARNITINE DEFICIENCY, SYSTEMIC, DUE TO DEFECT IN RENAL REABSORPTION OF CARNITINE. Identifiers: Orphanet 158, MedGen C0342788, MONDO:0008919, OMIM 212140.

Allele frequency attached by ClinVar (database versions not stated): 1000 Genomes Project 30x 0.05012; 1000 Genomes Project 0.05172; TOPMed 0.07922; ESP Exome Variant Server 0.08827; gnomAD 0.09342 and 0.09512; gnomAD exomes 0.10197 and 0.11666; ExAC 0.10332.
gnomAD v4.1: 153,135 of 1,350,930 alleles (11%); highest among the groups gnomAD compares: Non-Finnish European, 13%; 10,146 homozygotes.

Submissions (5):

Genome-Nilou Lab
Classification: Benign for Renal carnitine transport defect. Last evaluated: 2021-07-15. Review status: criteria provided, single submitter. Criteria: ACMG Guidelines, 2015. Collection method: clinical testing. Allele origin: germline. Affected: no.

Pars Genome Lab
Classification: Benign for Renal carnitine transport defect. Last evaluated: 2021-06-15. Review status: criteria provided, single submitter. Criteria: ACMG Guidelines, 2015. Collection method: clinical testing. Allele origin: germline. Affected: no.

ARUP Laboratories, Molecular Genetics and Genomics, ARUP Laboratories
Classification: Benign. Last evaluated: 2018-01-31. Review status: criteria provided, single submitter. Criteria: ARUP Molecular Germline Variant Investigation Process. Collection method: clinical testing. Allele origin: germline.

Illumina Laboratory Services, Illumina
Classification: Benign for Renal carnitine transport defect. Last evaluated: 2018-01-13. Review status: criteria provided, single submitter. Criteria: ICSL Variant Classification Criteria 13 December 2019. Collection method: clinical testing. Allele origin: germline.
Comment: This variant was observed in the ICSL laboratory as part of a predisposition screen in an ostensibly healthy population. It had not been previously curated by ICSL or reported in the Human Gene Mutation Database (HGMD: prior to June 1st, 2018), and was therefore a candidate for classification through an automated scoring system. Utilizing variant allele frequency, disease prevalence and penetrance estimates, and inheritance mode, an automated score was calculated to assess if this variant is too frequent to cause the disease. Based on the score and internal cut-off values, a variant classified as benign is not then subjected to further curation. The score for this variant resulted in a classification of benign for this disease.

GeneDx
Classification: Benign. Last evaluated: 2015-03-03. Review status: criteria provided, single submitter. Criteria: GeneDx Variant Classification Process June 2021. Collection method: clinical testing. Allele origin: germline. Affected: yes.